The following is an entry in ClinVar:

ClinVar aggregate classification (germline): Pathogenic (1 of 4 stars; one submission).

Submission:

GeneDx
Classification: Pathogenic. Last evaluated: 2018-02-15. Review status: criteria provided, single submitter. Criteria: GeneDx Variant Classification (06012015). Collection method: clinical testing. Allele origin: germline. Affected: yes.
Comment: The S2118X pathogenic variant in the ABCA12 gene has not been reported previously as a pathogenic variant, nor as a benign variant, to our knowledge. This variant is predicted to cause loss of normal protein function either through protein truncation or nonsense-mediated mRNA decay. The S2118X variant is not observed in large population cohorts (Lek et al., 2016). We interpret S2118X as a pathogenic variant.

NM_173076.3(ABCA12):c.6353C>G (p.Ser2118Ter)

Genes: ABCA12 (ATP binding cassette subfamily A member 12; minus strand), SNHG31 (small nucleolar RNA host gene 31; plus strand). Cytogenetic location: 2q35.
Variant type: single nucleotide variant.
Coding change: c.6353C>G on transcript NM_173076.3 (MANE Select); coding-DNA position 6353, C replaced by G.
Protein change: p.Ser2118Ter; replaces serine 2118 with a stop codon.
Molecular consequence: nonsense. On other transcripts: non-coding transcript variant (1).
Genome position (GRCh38, 1-based): chr2:214,955,242, G>C on the plus strand (C>G on the coding strand, the complement: ABCA12 is on the minus strand). VCF-style: chr2-214955242-G-C. GRCh37 (hg19) VCF-style: chr2-215819966-G-C.
Other names: c.5399C>G, p.Ser1800Ter (NM_015657.4); short protein forms S2118*, S1800*.
Identifiers: ClinVar variation 504276 (VCV000504276.2), dbSNP rs1553520447, ClinGen allele CA350446957.
Genomic context (GRCh38, chr2:214,955,242, plus strand): 5'-ACTGAAATAAGGGACCTTACCGGATCATTAGGCTTTTCCTTGGAAAGAAAGTATACCACT[G>C]ACAGGGAAACAATGGAATTAATGCCAAAAAACAAGTTGACACAGACGTAAGTGATGAAGG-3'